The following is an entry in ClinVar:

ClinVar aggregate classification (germline): Pathogenic (1 of 4 stars; one submission).

Conditions:
Exostoses, multiple, type 2 (EXT2). Also called: Hereditary Multiple Osteochondromatosis, Type II; EXOSTOSES, MULTIPLE, TYPE II. Identifiers: Orphanet 321, MedGen C1851413, MONDO:0007586, OMIM 133701.

Submission:

Labcorp Genetics (formerly Invitae), Labcorp
Classification: Pathogenic for Exostoses, multiple, type 2. Last evaluated: 2025-05-13. Review status: criteria provided, single submitter. Criteria: Invitae Variant Classification Sherloc (09022015). Collection method: clinical testing. Allele origin: germline.
Comment: This sequence change affects an acceptor splice site in intron 3 of the EXT2 gene. It is expected to disrupt RNA splicing. Variants that disrupt the donor or acceptor splice site typically lead to a loss of protein function (PMID: 16199547), and loss-of-function variants in EXT2 are known to be pathogenic (PMID: 10679937, 19810120). This variant is not present in population databases (gnomAD no frequency). Disruption of this splice site has been observed in individual(s) with multiple osteochondromas (PMID: 19810120; internal data). ClinVar contains an entry for this variant (Variation ID: 3653388). Algorithms developed to predict the effect of sequence changes on RNA splicing suggest that this variant may disrupt the consensus splice site. For these reasons, this variant has been classified as Pathogenic.

Literature cited by the submitters: PubMed 16199547; PubMed 10679937; PubMed 19810120.

NM_207122.2(EXT2):c.627-1G>A

Gene: EXT2 (exostosin glycosyltransferase 2; plus strand). Cytogenetic location: 11p11.2.
Variant type: single nucleotide variant.
Coding change: c.627-1G>A on transcript NM_207122.2 (MANE Select); the canonical splice acceptor site of the intron before coding-DNA position 627, G replaced by A.
Molecular consequence: splice acceptor variant.
Genome position (GRCh38, 1-based): chr11:44,114,184, G>A. VCF-style: chr11-44114184-G-A. GRCh37 (hg19) VCF-style: chr11-44135734-G-A.
Other names: c.627-1G>A (NM_001389630.1, NM_001178083.3, NM_001389628.1); c.726-1G>A (NM_000401.3).
Identifiers: ClinVar variation 3653388 (VCV003653388.2).
Genomic context (GRCh38, chr11:44,114,184, plus strand): 5'-CAGTGTGTATCAGAATAAAGTCCTTTCTTTCTCATCGTTTAACAAAATACTTTGCTTTCA[G>A]GGCCCTGTTGGCTGGTGGCGGCTTTTCTACGTGGACTTACCGGCAAGGCTACGATGTCAG-3'